The following is an entry in ClinVar:

ClinVar aggregate classification (germline): Conflicting classifications of pathogenicity. Review status: criteria provided, conflicting classifications (1 of 4 stars). 3 submissions from 3 submitters: Uncertain significance (1); Likely benign (2). Last evaluated 2025-12-07.

Conditions:
EGFR-related lung cancer (EGFR). Identifiers: MedGen CN130014.
Hereditary cancer-predisposing syndrome. Also called: Tumor predisposition; Hereditary neoplastic syndrome; Neoplastic Syndromes, Hereditary; Hereditary Cancer Syndrome. Identifiers: Orphanet 140162, MedGen C0027672, MeSH D009386, MONDO:0015356.

Allele frequency attached by ClinVar (database versions not stated): TOPMed below 0.00001.

Submissions (3):

Ambry Genetics
Classification: Likely benign for Hereditary cancer-predisposing syndrome. Last evaluated: 2025-12-07. Review status: criteria provided, single submitter. Criteria: Ambry Variant Classification Scheme 2023. Collection method: clinical testing. Allele origin: germline.

Labcorp Genetics (formerly Invitae), Labcorp
Classification: Likely benign for EGFR-related lung cancer. Last evaluated: 2025-10-30. Review status: criteria provided, single submitter. Criteria: Invitae Variant Classification Sherloc (09022015). Collection method: clinical testing. Allele origin: germline.

Quest Diagnostics Nichols Institute San Juan Capistrano
Classification: Uncertain significance. Last evaluated: 2023-09-05. Review status: criteria provided, single submitter. Criteria: Quest Diagnostics criteria. Collection method: clinical testing. Allele origin: unknown.
Comment: To the best of our knowledge, this variant has not been reported in the published literature. It also has not been reported in large, multi-ethnic general populations (Genome Aggregation Database). Analysis of this variant using software algorithms for the prediction of the effect of nucleotide changes on splicing yielded predictions that this variant does not affect EGFR mRNA splicing . Based on the available information, we are unable to determine the clinical significance of this variant.

NM_005228.5(EGFR):c.2652A>G (p.Glu884=)

Gene: EGFR (epidermal growth factor receptor; plus strand). Cytogenetic location: 7p11.2.
Variant type: single nucleotide variant.
Coding change: c.2652A>G on transcript NM_005228.5 (MANE Select); coding-DNA position 2652, A replaced by G.
Protein change: p.Glu884=; no amino-acid change (glutamic acid 884 retained).
Molecular consequence: synonymous variant.
Genome position (GRCh38, 1-based): chr7:55,192,792, A>G. VCF-style: chr7-55192792-A-G. GRCh37 (hg19) VCF-style: chr7-55260485-A-G.
Other names: c.2652A>G (NM_005228.4, NM_005228.3); c.2517A>G, p.Glu839= (NM_001346897.2, NM_001346899.2); c.2652A>G, p.Glu884= (NM_001346898.2); c.2493A>G, p.Glu831= (NM_001346900.2); c.1851A>G, p.Glu617= (NM_001346941.2).
Identifiers: ClinVar variation 1605503 (VCV001605503.10), dbSNP rs1787457978, ClinGen allele CA454965709.
Genomic context (GRCh38, chr7:55,192,792, plus strand): 5'-GTTGTCTCACTGCCTCATCTCTCACCATCCCAAGGTGCCTATCAAGTGGATGGCATTGGA[A>G]TCAATTTTACACAGAATCTATACCCACCAGAGTGATGTCTGGAGCTACGGTGAGTCATAA-3'
Protein context (NP_005219.2, residues 874-894): GKVPIKWMAL[Glu884=]SILHRIYTHQ